The following is an entry in ClinVar:

ClinVar aggregate classification (germline): Uncertain significance (1 of 4 stars; one submission).

Conditions:
Hereditary cancer-predisposing syndrome. Also called: Neoplastic Syndromes, Hereditary; Tumor predisposition; Hereditary Cancer Syndrome; Hereditary neoplastic syndrome. Identifiers: Orphanet 140162, MedGen C0027672, MeSH D009386, MONDO:0015356.

Submission:

Ambry Genetics
Classification: Uncertain significance for Hereditary cancer-predisposing syndrome. Last evaluated: 2018-10-26. Review status: criteria provided, single submitter. Criteria: Ambry Variant Classification Scheme 2023. Collection method: clinical testing. Allele origin: germline.
Comment: The p.V968F variant (also known as c.2902G>T), located in coding exon 4 of the MSH6 gene, results from a G to T substitution at nucleotide position 2902. The valine at codon 968 is replaced by phenylalanine, an amino acid with highly similar properties. This amino acid position is not well conserved in available vertebrate species. In addition, the in silico prediction for this alteration is inconclusive. In addition, the CoDP in silico tool predicts this alteration to have a minor impact on molecular function, with a score of 0.236 (Terui H et al. J. Biomed. Sci. 2013 Apr;20:25). Since supporting evidence is limited at this time, the clinical significance of this alteration remains unclear.

NM_000179.3(MSH6):c.2902G>T (p.Val968Phe)

Gene: MSH6 (mutS homolog 6; plus strand). Cytogenetic location: 2p16.3.
Variant type: single nucleotide variant.
Coding change: c.2902G>T on transcript NM_000179.3 (MANE Select); coding-DNA position 2902, G replaced by T.
Protein change: p.Val968Phe; replaces valine 968 with phenylalanine.
Molecular consequence: missense variant.
Genome position (GRCh38, 1-based): chr2:47,800,885, G>T. VCF-style: chr2-47800885-G-T. GRCh37 (hg19) VCF-style: chr2-48028024-G-T.
Other names: c.2512G>T, p.Val838Phe (NM_001281492.2); c.1996G>T, p.Val666Phe (NM_001281493.2, NM_001281494.2, NM_001406811.1 and 6 more transcripts); c.2998G>T, p.Val1000Phe (NM_001406795.1, NM_001406802.1); c.2902G>T, p.Val968Phe (NM_001406796.1, NM_001406798.1, NM_001406800.1 and 2 more transcripts); c.2605G>T, p.Val869Phe (NM_001406797.1, NM_001406801.1, NM_001406805.1 and 10 more transcripts); c.2377G>T, p.Val793Phe (NM_001406799.1, NM_001406806.1, NM_001406807.1); c.2824G>T, p.Val942Phe (NM_001406804.1); c.2908G>T, p.Val970Phe (NM_001406813.1); and 2 more; short protein forms V1000F, V666F, V283F, V838F, V793F, V869F, V912F, V942F.
Identifiers: ClinVar variation 1797474 (VCV001797474.2), dbSNP rs2104429728, ClinGen allele CA346756117.